The following is an entry in ClinVar:

NM_022436.3(ABCG5):c.939A>G (p.Glu313=)

Genes: ABCG5 (ATP binding cassette subfamily G member 5; minus strand), DYNC2LI1 (dynein cytoplasmic 2 light intermediate chain 1; plus strand). Cytogenetic location: 2p21.
Variant type: single nucleotide variant.
Coding change: c.939A>G on transcript NM_022436.3 (MANE Select); coding-DNA position 939, A replaced by G.
Protein change: p.Glu313=; no amino-acid change (glutamic acid 313 retained).
Molecular consequence: synonymous variant. On other transcripts: intron variant (2).
Genome position (GRCh38, 1-based): chr2:43,824,398, T>C on the plus strand (A>G on the coding strand, the complement: ABCG5 is on the minus strand). VCF-style: chr2-43824398-T-C. GRCh37 (hg19) VCF-style: chr2-44051537-T-C.
Other names: c.*16-2988T>C (NM_001348913.2, NM_001348912.2).
Identifiers: ClinVar variation 2694289 (VCV002694289.6), dbSNP rs749191249, ClinGen allele CA1636436.

ClinVar aggregate classification (germline): Likely benign. Review status: criteria provided, multiple submitters, no conflicts (2 of 4 stars). 3 submissions from 3 submitters: Likely benign (2). 1 of the submissions does not count toward it. Last evaluated 2023-06-28.

Conditions:
Sitosterolemia (STSL). Also called: PHYTOSTEROLEMIA. Identifiers: Orphanet 2882, MedGen C0342907, MONDO:0008863.
ABCG5-related disorder. Also called: ABCG5-related condition.

Allele frequency attached by ClinVar (database versions not stated): gnomAD exomes 0.00001; ExAC 0.00004; TOPMed below 0.00001; gnomAD 0.00001.
gnomAD v4.1: 22 of 1,614,038 alleles (0.0014%); highest among the groups gnomAD compares: South Asian, 0.023%; no homozygotes.

Submissions (3):

Blueprint Genetics
Classification: Likely benign. Last evaluated: 2023-06-28. Review status: criteria provided, single submitter. Criteria: ACMG Guidelines, 2015. Collection method: clinical testing. Allele origin: germline.

Labcorp Genetics (formerly Invitae), Labcorp
Classification: Likely benign for Sitosterolemia. Last evaluated: 2023-06-04. Review status: criteria provided, single submitter. Criteria: Invitae Variant Classification Sherloc (09022015). Collection method: clinical testing. Allele origin: germline.

PreventionGenetics, part of Exact Sciences
Classification: Likely benign for ABCG5-related condition. Last evaluated: 2024-02-22. Review status: no assertion criteria provided. Collection method: clinical testing. Allele origin: germline. Not counted in ClinVar's aggregate classification.
Comment: This variant is classified as likely benign based on ACMG/AMP sequence variant interpretation guidelines (Richards et al. 2015 PMID: 25741868, with internal and published modifications).